The following is an entry in ClinVar:

ClinVar aggregate classification (germline): Uncertain significance. Review status: criteria provided, multiple submitters, no conflicts (2 of 4 stars). 2 submissions from 2 submitters: Uncertain significance (2). Last evaluated 2025-11-12.

Submissions (2):

Ambry Genetics
Classification: Uncertain significance. Last evaluated: 2025-11-12. Review status: criteria provided, single submitter. Criteria: Ambry Variant Classification Scheme 2023. Collection method: clinical testing. Allele origin: germline.

Labcorp Genetics (formerly Invitae), Labcorp
Classification: Uncertain significance. Last evaluated: 2022-09-16. Review status: criteria provided, single submitter. Criteria: Invitae Variant Classification Sherloc (09022015). Collection method: clinical testing. Allele origin: germline.
Comment: This variant has not been reported in the literature in individuals affected with AK7-related conditions. In summary, the available evidence is currently insufficient to determine the role of this variant in disease. Therefore, it has been classified as a Variant of Uncertain Significance. Advanced modeling of protein sequence and biophysical properties (such as structural, functional, and spatial information, amino acid conservation, physicochemical variation, residue mobility, and thermodynamic stability) performed at Invitae indicates that this missense variant is expected to disrupt AK7 protein function. This variant is not present in population databases (gnomAD no frequency). This sequence change replaces tyrosine, which is neutral and polar, with histidine, which is basic and polar, at codon 359 of the AK7 protein (p.Tyr359His).

NM_152327.5(AK7):c.1075T>C (p.Tyr359His)

Gene: AK7 (adenylate kinase 7; plus strand). Cytogenetic location: 14q32.2.
Variant type: single nucleotide variant.
Coding change: c.1075T>C on transcript NM_152327.5 (MANE Select); coding-DNA position 1075, T replaced by C.
Protein change: p.Tyr359His; replaces tyrosine 359 with histidine.
Molecular consequence: missense variant.
Genome position (GRCh38, 1-based): chr14:96,451,547, T>C. VCF-style: chr14-96451547-T-C. GRCh37 (hg19) VCF-style: chr14-96917884-T-C.
Other names: c.1075T>C, p.Tyr359His (NM_001350888.2, NM_001350890.2, NM_001350892.2); c.997T>C, p.Tyr333His (NM_001350891.2); c.1075T>C (NM_152327.2); short protein forms Y333H, Y359H.
Identifiers: ClinVar variation 1959255 (VCV001959255.6), dbSNP rs1893607550, ClinGen allele CA390914657.
Genomic context (GRCh38, chr14:96,451,547, plus strand): 5'-AATATTCGATGGGCTGCCCAAACAGGATTTGTGGAAAATATCAACACTATCCTCAAGGAG[T>C]ACAAGCAAAGCAGAGGATTGATGGTAACTATCACTGTTTCCCACTGAAACTTCTGATTCA-3'
Protein context (NP_689540.2, residues 349-369): VENINTILKE[Tyr359His]KQSRGLMPIK